The following is an entry in ClinVar:

NM_000883.4(IMPDH1):c.355G>A (p.Asp119Asn)

Gene: IMPDH1 (inosine monophosphate dehydrogenase 1; minus strand). Cytogenetic location: 7q32.1.
Variant type: single nucleotide variant.
Coding change: c.355G>A on transcript NM_000883.4 (MANE Select); coding-DNA position 355, G replaced by A.
Protein change: p.Asp119Asn; replaces aspartic acid 119 with asparagine.
Molecular consequence: missense variant.
Genome position (GRCh38, 1-based): chr7:128,403,753, C>T on the plus strand (G>A on the coding strand, the complement: IMPDH1 is on the minus strand). VCF-style: chr7-128403753-C-T. GRCh37 (hg19) VCF-style: chr7-128043807-C-T.
Other names: c.325G>A, p.Asp109Asn (NM_001102605.2); c.100G>A, p.Asp34Asn (NM_001142573.2, NM_001142574.2, NM_001142575.2); c.256G>A, p.Asp86Asn (NM_001142576.2); c.148G>A, p.Asp50Asn (NM_001304521.2); c.247G>A, p.Asp83Asn (NM_183243.3); short protein forms D119N, D86N, D109N, D50N, D34N, D83N.
Identifiers: ClinVar variation 3717058 (VCV003717058.3).

ClinVar aggregate classification (germline): Uncertain significance. Review status: criteria provided, multiple submitters, no conflicts (2 of 4 stars). 2 submissions from 2 submitters: Uncertain significance (2). Last evaluated 2024-11-19.

gnomAD v4.1: 9 of 1,613,748 alleles (0.00056%); highest among the groups gnomAD compares: Non-Finnish European, 0.00059%; no homozygotes.

Submissions (2):

Labcorp Genetics (formerly Invitae), Labcorp
Classification: Uncertain significance. Last evaluated: 2024-11-19. Review status: criteria provided, single submitter. Criteria: Invitae Variant Classification Sherloc (09022015). Collection method: clinical testing. Allele origin: germline.
Comment: This sequence change replaces aspartic acid, which is acidic and polar, with asparagine, which is neutral and polar, at codon 119 of the IMPDH1 protein (p.Asp119Asn). This variant is not present in population databases (gnomAD no frequency). This variant has not been reported in the literature in individuals affected with IMPDH1-related conditions. An algorithm developed to predict the effect of missense changes on protein structure and function (PolyPhen-2) suggests that this variant is likely to be disruptive. In summary, the available evidence is currently insufficient to determine the role of this variant in disease. Therefore, it has been classified as a Variant of Uncertain Significance.

Blueprint Genetics
Classification: Uncertain significance. Last evaluated: 2023-12-18. Review status: criteria provided, single submitter. Criteria: ACMG Guidelines, 2015. Collection method: clinical testing. Allele origin: germline.